The following is an entry in ClinVar:

NM_004370.6(COL12A1):c.2327G>A (p.Arg776Lys)

Gene: COL12A1 (collagen type XII alpha 1 chain; minus strand). Cytogenetic location: 6q13.
Variant type: single nucleotide variant.
Coding change: c.2327G>A on transcript NM_004370.6 (MANE Select); coding-DNA position 2327, G replaced by A.
Protein change: p.Arg776Lys; replaces arginine 776 with lysine.
Molecular consequence: missense variant. On other transcripts: intron variant (1).
Genome position (GRCh38, 1-based): chr6:75,177,773, C>T on the plus strand (G>A on the coding strand, the complement: COL12A1 is on the minus strand). VCF-style: chr6-75177773-C-T. GRCh37 (hg19) VCF-style: chr6-75887489-C-T.
Other names: c.73+24947G>A (NM_080645.3); c.2327G>A (NM_004370.5); short protein forms R776K.
Identifiers: ClinVar variation 1936238 (VCV001936238.6), dbSNP rs1032704338, ClinGen allele CA141025077.

ClinVar aggregate classification (germline): Uncertain significance. Review status: criteria provided, multiple submitters, no conflicts (2 of 4 stars). 2 submissions from 2 submitters: Uncertain significance (2). Last evaluated 2025-10-07.

Conditions:
Inborn genetic diseases. Identifiers: MedGen C0950123, MeSH D030342.
Ullrich congenital muscular dystrophy 2 (UCMD2). Identifiers: Orphanet 75840, MedGen C4225314, MONDO:0014654, OMIM 616470.
Bethlem myopathy 2 (BTHLM2). Identifiers: Orphanet 536516, Orphanet 610, MedGen C4225313, MONDO:0034022, OMIM 616471.

Allele frequency attached by ClinVar (database versions not stated): gnomAD exomes below 0.00001.

Submissions (2):

Ambry Genetics
Classification: Uncertain significance for Inborn genetic diseases. Last evaluated: 2025-10-07. Review status: criteria provided, single submitter. Criteria: Ambry Variant Classification Scheme 2023. Collection method: clinical testing. Allele origin: germline.

Labcorp Genetics (formerly Invitae), Labcorp
Classification: Uncertain significance for Bethlem myopathy 2; Ullrich congenital muscular dystrophy 2. Last evaluated: 2024-05-20. Review status: criteria provided, single submitter. Criteria: Invitae Variant Classification Sherloc (09022015). Collection method: clinical testing. Allele origin: germline.
Comment: This sequence change replaces arginine, which is basic and polar, with lysine, which is basic and polar, at codon 776 of the COL12A1 protein (p.Arg776Lys). This variant is not present in population databases (gnomAD no frequency). This variant has not been reported in the literature in individuals affected with COL12A1-related conditions. ClinVar contains an entry for this variant (Variation ID: 1936238). Advanced modeling of protein sequence and biophysical properties (such as structural, functional, and spatial information, amino acid conservation, physicochemical variation, residue mobility, and thermodynamic stability) performed at Invitae indicates that this missense variant is not expected to disrupt COL12A1 protein function with a negative predictive value of 80%. In summary, the available evidence is currently insufficient to determine the role of this variant in disease. Therefore, it has been classified as a Variant of Uncertain Significance.